The following is an entry in ClinVar:

NM_001166108.2(PALLD):c.2894G>A (p.Gly965Glu)

Genes: CBR4 (carbonyl reductase 4; minus strand), PALLD (palladin, cytoskeletal associated protein; plus strand). Cytogenetic location: 4q32.3.
Variant type: single nucleotide variant.
Coding change: c.2894G>A on transcript NM_001166108.2 (MANE Select); coding-DNA position 2894, G replaced by A.
Protein change: p.Gly965Glu; replaces glycine 965 with glutamic acid.
Molecular consequence: missense variant.
Genome position (GRCh38, 1-based): chr4:168,921,577, G>A. VCF-style: chr4-168921577-G-A. GRCh37 (hg19) VCF-style: chr4-169842728-G-A.
Other names: c.1697G>A, p.Gly566Glu (NM_001166109.2); c.1382G>A, p.Gly461Glu (NM_001166110.2); c.722G>A, p.Gly241Glu (NM_001367567.1, NM_001367569.1); c.773G>A, p.Gly258Glu (NM_001367568.1, NM_001367570.1); c.2843G>A, p.Gly948Glu (NM_016081.4); short protein forms G461E, G566E, G241E, G965E, G258E, G948E.
Identifiers: ClinVar variation 1410038 (VCV001410038.10), dbSNP rs760392120, ClinGen allele CA3135986.

ClinVar aggregate classification (germline): Uncertain significance. Review status: criteria provided, multiple submitters, no conflicts (2 of 4 stars). 2 submissions from 2 submitters: Uncertain significance (2). Last evaluated 2023-10-05.

Conditions:
Pancreatic adenocarcinoma. Identifiers: MedGen C0281361, MONDO:0006047, HP:0006725.

Allele frequency attached by ClinVar (database versions not stated): gnomAD exomes 0.00002 and 0.00003; ExAC 0.00003; gnomAD 0.00003 and 0.00004.
gnomAD v4.1: 35 of 1,608,976 alleles (0.0022%); highest among the groups gnomAD compares: Non-Finnish European, 0.0011%; no homozygotes.

Submissions (2):

Ambry Genetics
Classification: Uncertain significance. Last evaluated: 2023-10-05. Review status: criteria provided, single submitter. Criteria: Ambry Variant Classification Scheme 2023. Collection method: clinical testing. Allele origin: germline.
Comment: The p.G948E variant (also known as c.2843G>A), located in coding exon 16 of the PALLD gene, results from a G to A substitution at nucleotide position 2843. The glycine at codon 948 is replaced by glutamic acid, an amino acid with similar properties. This amino acid position is conserved. In addition, this alteration is predicted to be deleterious by in silico analysis. Since supporting evidence is limited at this time, the clinical significance of this alteration remains unclear.

Labcorp Genetics (formerly Invitae), Labcorp
Classification: Uncertain significance for Pancreatic adenocarcinoma. Last evaluated: 2021-05-28. Review status: criteria provided, single submitter. Criteria: Invitae Variant Classification Sherloc (09022015). Collection method: clinical testing. Allele origin: germline.
Comment: This sequence change replaces glycine with glutamic acid at codon 461 of the PALLD protein (p.Gly461Glu). The glycine residue is highly conserved and there is a moderate physicochemical difference between glycine and glutamic acid. This variant is present in population databases (rs760392120, ExAC 0.04%). This variant has not been reported in the literature in individuals with PALLD-related conditions. Algorithms developed to predict the effect of missense changes on protein structure and function (SIFT, PolyPhen-2, Align-GVGD) all suggest that this variant is likely to be disruptive, but these predictions have not been confirmed by published functional studies and their clinical significance is uncertain. In summary, the available evidence is currently insufficient to determine the role of this variant in disease. Therefore, it has been classified as a Variant of Uncertain Significance.